The following is an entry in ClinVar:

ClinVar aggregate classification (germline): Uncertain significance (1 of 4 stars; one submission).

Allele frequency attached by ClinVar (database versions not stated): gnomAD exomes below 0.00001.
gnomAD v4.1: 1 of 1,614,262 alleles (0.000062%); highest among the groups gnomAD compares: Non-Finnish European, 0.000085%; no homozygotes.

Submission:

Labcorp Genetics (formerly Invitae), Labcorp
Classification: Uncertain significance. Last evaluated: 2022-07-06. Review status: criteria provided, single submitter. Criteria: Invitae Variant Classification Sherloc (09022015). Collection method: clinical testing. Allele origin: germline.
Comment: In summary, the available evidence is currently insufficient to determine the role of this variant in disease. Therefore, it has been classified as a Variant of Uncertain Significance. Advanced modeling of protein sequence and biophysical properties (such as structural, functional, and spatial information, amino acid conservation, physicochemical variation, residue mobility, and thermodynamic stability) performed at Invitae indicates that this missense variant is expected to disrupt LRP5 protein function. This variant has not been reported in the literature in individuals affected with LRP5-related conditions. This variant is not present in population databases (gnomAD no frequency). This sequence change replaces threonine, which is neutral and polar, with alanine, which is neutral and non-polar, at codon 476 of the LRP5 protein (p.Thr476Ala).

NM_002335.4(LRP5):c.1426A>G (p.Thr476Ala)

Gene: LRP5 (LDL receptor related protein 5; plus strand). Cytogenetic location: 11q13.2.
Variant type: single nucleotide variant.
Coding change: c.1426A>G on transcript NM_002335.4 (MANE Select); coding-DNA position 1426, A replaced by G.
Protein change: p.Thr476Ala; replaces threonine 476 with alanine.
Molecular consequence: missense variant. On other transcripts: intron variant (1).
Genome position (GRCh38, 1-based): chr11:68,389,894, A>G. VCF-style: chr11-68389894-A-G. GRCh37 (hg19) VCF-style: chr11-68157362-A-G.
Other names: c.-354+3182A>G (NM_001291902.2); short protein forms T476A.
Identifiers: ClinVar variation 2014307 (VCV002014307.4), dbSNP rs2496621686, ClinGen allele CA381612931.